The following is an entry in ClinVar:

NM_000419.5(ITGA2B):c.647C>T (p.Ala216Val)

Gene: ITGA2B (integrin subunit alpha 2b; minus strand). Cytogenetic location: 17q21.31.
Variant type: single nucleotide variant.
Coding change: c.647C>T on transcript NM_000419.5 (MANE Select); coding-DNA position 647, C replaced by T.
Protein change: p.Ala216Val; replaces alanine 216 with valine.
Molecular consequence: missense variant.
Genome position (GRCh38, 1-based): chr17:44,385,187, G>A on the plus strand (C>T on the coding strand, the complement: ITGA2B is on the minus strand). VCF-style: chr17-44385187-G-A. GRCh37 (hg19) VCF-style: chr17-42462555-G-A.
Other names: short protein forms A216V.
Identifiers: ClinVar variation 1210176 (VCV001210176.2), dbSNP rs2143485154, ClinGen allele CA399805506.

ClinVar aggregate classification (germline): Likely pathogenic (3 of 4 stars; one submission).

Conditions:
Glanzmann thrombasthenia. Also called: BLEEDING DISORDER, PLATELET-TYPE, 2; THROMBASTHENIA OF GLANZMANN AND NAEGELI; PLATELET GLYCOPROTEIN IIb-IIIa DEFICIENCY; Thrombasthenia; Glanzmann's thrombasthenia. Identifiers: Orphanet 849, MedGen C0040015, MONDO:0100326.

Allele frequency attached by ClinVar (database versions not stated): gnomAD exomes below 0.00001.
gnomAD v4.1: 2 of 1,614,066 alleles (0.00012%); no homozygotes.

Submission:

ClinGen Platelet Disorders Variant Curation Expert Panel, ClinGen
Classification: Likely pathogenic for Glanzmann thrombasthenia. Last evaluated: 2024-09-05. Review status: reviewed by expert panel. Criteria: ClinGen Platelet ACMG Specifications v2-1. Collection method: curation. Allele origin: germline. Inheritance: Autosomal recessive inheritance.
Comment: The NM_000419.5(ITGA2B):c.647C>T (p.Ala216Val) missense variant has been previously reported in the context of Glanzmann thrombasthenia. One individual (GT55) with the p.Ala216Val missense variant in homozygous state (PM3_supporting) presented with significant mucocutaneous bleeding. Platelet aggregometry demonstrated absence of platelet aggregation with 3 platelet agonists and normal aggregation with ristocetin. Surface expression of αIIbβ3 was demonstrated to be reduced (11-22%) by flowcytometry. Sanger sequencing ensured coverage of exons and splice sites of the ITGA2B and ITGB3 genes as well as untranslated regions (PMID:25728920; PP4_strong). This variant is absent from all continental populations in gnomAD v4.1.0 (PM2_Supporting). Multiple in silico tools predict this variant to be deleterious (REVEL score = 0.85; PP3). This variant meets criteria for PP4_strong, PM2_supporting, PM3_supporting and PP3 and is classified as Likely pathogenic.